The following is an entry in ClinVar:

NM_000702.4(ATP1A2):c.2093T>G (p.Ile698Ser)

Gene: ATP1A2 (ATPase Na+/K+ transporting subunit alpha 2; plus strand). Cytogenetic location: 1q23.2.
Variant type: single nucleotide variant.
Coding change: c.2093T>G on transcript NM_000702.4 (MANE Select); coding-DNA position 2093, T replaced by G.
Protein change: p.Ile698Ser; replaces isoleucine 698 with serine.
Molecular consequence: missense variant.
Genome position (GRCh38, 1-based): chr1:160,135,273, T>G. VCF-style: chr1-160135273-T-G. GRCh37 (hg19) VCF-style: chr1-160105063-T-G.
Other names: short protein forms I698S.
Identifiers: ClinVar variation 4293003 (VCV004293003.1).

ClinVar aggregate classification (germline): Uncertain significance (1 of 4 stars; one submission).

Conditions:
ATP1A2-related disorder. Also called: ATP1A2-related condition; ATP1A2-RELATED DISORDERS.

Submission:

3billion
Classification: Uncertain significance for ATP1A2-related disorder. Last evaluated: 2025-02-20. Review status: criteria provided, single submitter. Criteria: ACMG Guidelines, 2015. Collection method: clinical testing. Allele origin: germline. Affected: yes.
Comment: The variant is not observed in the gnomAD v4.1.0 dataset. Predicted Consequence/Location: Missense variant In silico tool predictions suggest damaging effect of the variant on gene or gene product [REVEL: 0.98 (>=0.6, sensitivity 0.68 and specificity 0.92); 3Cnet: 0.99 (>=0.6, sensitivity 0.72 and precision 0.9)]. Different missense changes at the same codon have been reported as of uncertain significance (ClinVar ID: VCV000502101). Therefore, this variant is classified as VUS according to the recommendation of ACMG/AMP guideline.